The following is an entry in ClinVar:

NM_025137.4(SPG11):c.44G>A (p.Gly15Asp)

Gene: SPG11 (SPG11 vesicle trafficking associated, spatacsin; minus strand). Cytogenetic location: 15q21.1.
Variant type: single nucleotide variant.
Coding change: c.44G>A on transcript NM_025137.4 (MANE Select); coding-DNA position 44, G replaced by A.
Protein change: p.Gly15Asp; replaces glycine 15 with aspartic acid.
Molecular consequence: missense variant.
Genome position (GRCh38, 1-based): chr15:44,663,604, C>T on the plus strand (G>A on the coding strand, the complement: SPG11 is on the minus strand). VCF-style: chr15-44663604-C-T. GRCh37 (hg19) VCF-style: chr15-44955802-C-T.
Other names: p.Gly15Asp; c.44G>A, p.Gly15Asp (NM_001160227.2); short protein forms G15D.
Identifiers: ClinVar variation 641361 (VCV000641361.8), dbSNP rs763155228, ClinGen allele CA7535967.

ClinVar aggregate classification (germline): Uncertain significance. Review status: criteria provided, multiple submitters, no conflicts (2 of 4 stars). 3 submissions from 3 submitters: Uncertain significance (3). Last evaluated 2025-02-01.

Conditions:
Hereditary spastic paraplegia 11. Also called: SPASTIC PARAPLEGIA, AUTOSOMAL RECESSIVE, COMPLICATED, WITH THIN CORPUS CALLOSUM; SPASTIC PARAPLEGIA, AUTOSOMAL RECESSIVE, WITH MENTAL IMPAIRMENT AND THIN CORPUS CALLOSUM; Spastic Paraplegia 11; Nakamura Osame syndrome; Autosomal recessive hereditary spastic paraplegia, mental impairment, and thin corpus callosum; Spastic paraplegia, mental retardation and thin corpus callosum. Identifiers: Orphanet 2822, MedGen C1858479, MONDO:0011445, OMIM 604360.

Allele frequency attached by ClinVar (database versions not stated): ExAC 0.00011; gnomAD 0.00011; gnomAD exomes 0.00012; TOPMed 0.00015.
gnomAD v4.1: 100 of 1,596,580 alleles (0.0063%); highest among the groups gnomAD compares: Middle Eastern, 0.099%; no homozygotes.

Submissions (3):

Mayo Clinic Laboratories, Mayo Clinic
Classification: Uncertain significance. Last evaluated: 2025-02-01. Review status: criteria provided, single submitter. Criteria: ACMG Guidelines, 2015. Collection method: clinical testing. Allele origin: germline. Observed: 1 variant allele.
Comment: BP4

Labcorp Genetics (formerly Invitae), Labcorp
Classification: Uncertain significance for Hereditary spastic paraplegia 11. Last evaluated: 2024-12-16. Review status: criteria provided, single submitter. Criteria: Invitae Variant Classification Sherloc (09022015). Collection method: clinical testing. Allele origin: germline.
Comment: This sequence change replaces glycine, which is neutral and non-polar, with aspartic acid, which is acidic and polar, at codon 15 of the SPG11 protein (p.Gly15Asp). This variant is present in population databases (rs763155228, gnomAD 0.04%). This missense change has been observed in individual(s) with a neurological phenotype (PMID: 33144682). ClinVar contains an entry for this variant (Variation ID: 641361). Experimental studies and prediction algorithms are not available or were not evaluated, and the functional significance of this variant is currently unknown. In summary, the available evidence is currently insufficient to determine the role of this variant in disease. Therefore, it has been classified as a Variant of Uncertain Significance.

Pediatric/Medical Genetics, Ministry of Health, Qatif Central Hospital
Classification: Uncertain significance for Hereditary spastic paraplegia 11. Review status: criteria provided, single submitter. Criteria: ACMG Guidelines, 2015. Collection method: clinical testing. Allele origin: germline. Inheritance: Autosomal recessive inheritance. Affected: yes. Observed: 1 homozygote.

Literature cited by the submitters: PubMed 33144682 (cited by Mayo Clinic Laboratories, Mayo Clinic and Labcorp Genetics (formerly Invitae), Labcorp).